The following is an entry in ClinVar:

NM_201253.3(CRB1):c.1675T>C (p.Ser559Pro)

Gene: CRB1 (crumbs cell polarity complex component 1; plus strand). Cytogenetic location: 1q31.3.
Variant type: single nucleotide variant.
Coding change: c.1675T>C on transcript NM_201253.3 (MANE Select); coding-DNA position 1675, T replaced by C.
Protein change: p.Ser559Pro; replaces serine 559 with proline.
Molecular consequence: missense variant. On other transcripts: non-coding transcript variant (2).
Genome position (GRCh38, 1-based): chr1:197,421,503, T>C. VCF-style: chr1-197421503-T-C. GRCh37 (hg19) VCF-style: chr1-197390633-T-C.
Other names: c.1339T>C, p.Ser447Pro (NM_001193640.2); c.1468T>C, p.Ser490Pro (NM_001257965.2); c.1675T>C, p.Ser559Pro (NM_001257966.2); short protein forms S447P, S490P, S559P.
Identifiers: ClinVar variation 4782426 (VCV004782426.1).

ClinVar aggregate classification (germline): Uncertain significance (1 of 4 stars; one submission).

Conditions:
Leber congenital amaurosis 8 (LCA8). Identifiers: Orphanet 65, MedGen C3151202, MONDO:0013453, OMIM 613835.
Retinitis pigmentosa 12 (RP12). Also called: RP WITH OR WITHOUT PRESERVED PARAARTERIOLE RETINAL PIGMENT EPITHELIUM; RETINITIS PIGMENTOSA WITH OR WITHOUT PARAARTERIOLAR PRESERVATION OF RETINAL PIGMENT EPITHELIUM; RP WITH OR WITHOUT PPRPE. Identifiers: Orphanet 791, MedGen C1838647, MONDO:0010818, OMIM 600105.

Submission:

Labcorp Genetics (formerly Invitae), Labcorp
Classification: Uncertain significance for Leber congenital amaurosis 8; Retinitis pigmentosa 12. Last evaluated: 2025-10-18. Review status: criteria provided, single submitter. Criteria: Invitae Variant Classification Sherloc (09022015). Collection method: clinical testing. Allele origin: germline.
Comment: This sequence change replaces serine, which is neutral and polar, with proline, which is neutral and non-polar, at codon 559 of the CRB1 protein (p.Ser559Pro). This variant is not present in population databases (gnomAD no frequency). This variant has not been reported in the literature in individuals affected with CRB1-related conditions. Invitae Evidence Modeling of protein sequence and biophysical properties (such as structural, functional, and spatial information, amino acid conservation, physicochemical variation, residue mobility, and thermodynamic stability) indicates that this missense variant is expected to disrupt CRB1 protein function with a positive predictive value of 80%. In summary, the available evidence is currently insufficient to determine the role of this variant in disease. Therefore, it has been classified as a Variant of Uncertain Significance.